The following is an entry in ClinVar:

ClinVar aggregate classification (germline): Likely benign. Review status: criteria provided, multiple submitters, no conflicts (2 of 4 stars). 2 submissions from 2 submitters: Likely benign (2). Last evaluated 2024-08-13.

Allele frequency attached by ClinVar (database versions not stated): gnomAD 0.00001; gnomAD exomes 0.00001; ExAC 0.00002.
gnomAD v4.1: 6 of 1,607,810 alleles (0.00037%); highest among the groups gnomAD compares: East Asian, 0.0067%; no homozygotes.

Submissions (2):

Labcorp Genetics (formerly Invitae), Labcorp
Classification: Likely benign. Last evaluated: 2024-08-13. Review status: criteria provided, single submitter. Criteria: Invitae Variant Classification Sherloc (09022015). Collection method: clinical testing. Allele origin: germline.

GeneDx
Classification: Likely benign. Last evaluated: 2018-04-06. Review status: criteria provided, single submitter. Criteria: GeneDx Variant Classification (06012015). Collection method: clinical testing. Allele origin: germline. Affected: yes.
Comment: This variant is considered likely benign or benign based on one or more of the following criteria: it is a conservative change, it occurs at a poorly conserved position in the protein, it is predicted to be benign by multiple in silico algorithms, and/or has population frequency not consistent with disease.

NM_001852.4(COL9A2):c.1216-11T>C

Gene: COL9A2 (collagen type IX alpha 2 chain; minus strand). Cytogenetic location: 1p34.2.
Variant type: single nucleotide variant.
Coding change: c.1216-11T>C on transcript NM_001852.4 (MANE Select); 11 bases into the intron before coding-DNA position 1216, T replaced by C.
Molecular consequence: intron variant.
Genome position (GRCh38, 1-based): chr1:40,304,402, A>G on the plus strand (T>C on the coding strand, the complement: COL9A2 is on the minus strand). VCF-style: chr1-40304402-A-G. GRCh37 (hg19) VCF-style: chr1-40770074-A-G.
Identifiers: ClinVar variation 681539 (VCV000681539.5), dbSNP rs752880403, ClinGen allele CA791534.